The following is an entry in ClinVar:

ClinVar aggregate classification (germline): Uncertain significance (1 of 4 stars; one submission).

Conditions:
3-methylglutaconic aciduria, type VIIB (MGCA7B). Also called: CLPB Deficiency; 3-methylglutaconic aciduria, type VII, with cataracts, neurologic involvement and neutropenia; 3-methylglutaconic aciduria with cataracts, neurologic involvement and neutropenia. Identifiers: Orphanet 445038, MedGen C5676893, MONDO:0014561, OMIM 616271.

gnomAD v4.1: 11 of 1,573,466 alleles (0.0007%); highest among the groups gnomAD compares: Non-Finnish European, 0.00086%; no homozygotes.

Submission:

Labcorp Genetics (formerly Invitae), Labcorp
Classification: Uncertain significance for 3-methylglutaconic aciduria, type VIIB. Last evaluated: 2025-04-07. Review status: criteria provided, single submitter. Criteria: Invitae Variant Classification Sherloc (09022015). Collection method: clinical testing. Allele origin: germline.
Comment: This sequence change replaces leucine, which is neutral and non-polar, with methionine, which is neutral and non-polar, at codon 12 of the CLPB protein (p.Leu12Met). The frequency data for this variant in the population databases is considered unreliable, as metrics indicate poor data quality at this position in the gnomAD database. This variant has not been reported in the literature in individuals affected with CLPB-related conditions. Experimental studies and prediction algorithms are not available or were not evaluated, and the functional significance of this variant is currently unknown. In summary, the available evidence is currently insufficient to determine the role of this variant in disease. Therefore, it has been classified as a Variant of Uncertain Significance.

NM_001258392.3(CLPB):c.34C>A (p.Leu12Met)

Genes: CLPB (ClpB family mitochondrial disaggregase; minus strand), LOC130006336 (ATAC-STARR-seq lymphoblastoid active region 5191; plus strand). Cytogenetic location: 11q13.4.
Variant type: single nucleotide variant.
Coding change: c.34C>A on transcript NM_001258392.3 (MANE Select); coding-DNA position 34, C replaced by A.
Protein change: p.Leu12Met; replaces leucine 12 with methionine.
Molecular consequence: missense variant. On other transcripts: 5 prime UTR variant (1).
Genome position (GRCh38, 1-based): chr11:72,434,441, G>T on the plus strand (C>A on the coding strand, the complement: CLPB is on the minus strand). VCF-style: chr11-72434441-G-T. GRCh37 (hg19) VCF-style: chr11-72145485-G-T.
Other names: c.34C>A, p.Leu12Met (NM_001258393.3, NM_030813.6); c.-209C>A (NM_001258394.3); short protein forms L12M.
Identifiers: ClinVar variation 4699386 (VCV004699386.1).